The following is an entry in ClinVar:

NM_004415.4(DSP):c.2810T>A (p.Ile937Lys)

Gene: DSP (desmoplakin; plus strand). Cytogenetic location: 6p24.3.
Variant type: single nucleotide variant.
Coding change: c.2810T>A on transcript NM_004415.4 (MANE Select); coding-DNA position 2810, T replaced by A.
Protein change: p.Ile937Lys; replaces isoleucine 937 with lysine.
Molecular consequence: missense variant.
Genome position (GRCh38, 1-based): chr6:7,576,975, T>A. VCF-style: chr6-7576975-T-A. GRCh37 (hg19) VCF-style: chr6-7577208-T-A.
Other names: c.2810T>A, p.Ile937Lys (NM_001008844.3, NM_001319034.2); short protein forms I937K.
Identifiers: ClinVar variation 3757177 (VCV003757177.2).

ClinVar aggregate classification (germline): Uncertain significance (1 of 4 stars; one submission).

Conditions:
Arrhythmogenic right ventricular dysplasia 8 (ARVD8). Also called: Arrhythmogenic Right Ventricular Dysplasia/Cardiomyopathy 8; ARRHYTHMOGENIC RIGHT VENTRICULAR DYSPLASIA, FAMILIAL, 8; ARRHYTHMOGENIC RIGHT VENTRICULAR CARDIOMYOPATHY 8. Identifiers: MedGen C1843896, MONDO:0011831, OMIM 607450.
Arrhythmogenic cardiomyopathy with wooly hair and keratoderma. Also called: PALMOPLANTAR KERATODERMA WITH LEFT VENTRICULAR CARDIOMYOPATHY AND WOOLLY HAIR; Carvajal syndrome; Dilated cardiomyopathy with woolly hair and keratoderma; Arrhythmogenic cardiomyopathy with woolly hair and keratoderma. Identifiers: Orphanet 65282, MedGen C1854063, MONDO:0011581, OMIM 605676.

Submission:

Labcorp Genetics (formerly Invitae), Labcorp
Classification: Uncertain significance for Arrhythmogenic cardiomyopathy with wooly hair and keratoderma; Arrhythmogenic right ventricular dysplasia 8. Last evaluated: 2025-10-01. Review status: criteria provided, single submitter. Criteria: Invitae Variant Classification Sherloc (09022015). Collection method: clinical testing. Allele origin: germline.
Comment: This sequence change replaces isoleucine, which is neutral and non-polar, with lysine, which is basic and polar, at codon 937 of the DSP protein (p.Ile937Lys). This variant is not present in population databases (gnomAD no frequency). This variant has not been reported in the literature in individuals affected with DSP-related conditions. ClinVar contains an entry for this variant (Variation ID: 3757177). An algorithm developed to predict the effect of missense changes on protein structure and function (PolyPhen-2) suggests that this variant is likely to be disruptive. In summary, the available evidence is currently insufficient to determine the role of this variant in disease. Therefore, it has been classified as a Variant of Uncertain Significance.